The following is an entry in ClinVar:

NM_001012759.3(CTU2):c.1357G>T (p.Asp453Tyr)

Gene: CTU2 (cytosolic thiouridylase subunit 2; plus strand). Cytogenetic location: 16q24.3.
Variant type: single nucleotide variant.
Coding change: c.1357G>T on transcript NM_001012759.3 (MANE Select); coding-DNA position 1357, G replaced by T.
Protein change: p.Asp453Tyr; replaces aspartic acid 453 with tyrosine.
Molecular consequence: missense variant.
Genome position (GRCh38, 1-based): chr16:88,714,864, G>T. VCF-style: chr16-88714864-G-T. GRCh37 (hg19) VCF-style: chr16-88781272-G-T.
Other names: c.1357G>T, p.Asp453Tyr (NM_001012762.3); c.1570G>T, p.Asp524Tyr (NM_001318507.2); c.1096G>T, p.Asp366Tyr (NM_001318513.2); short protein forms D366Y, D453Y, D524Y.
Identifiers: ClinVar variation 5039152 (VCV005039152.1).

ClinVar aggregate classification (germline): Likely benign (1 of 4 stars; one submission).

gnomAD v4.1: 196 of 1,612,628 alleles (0.012%); highest among the groups gnomAD compares: South Asian, 0.2%; 1 homozygote.

Submission:

CeGaT Center for Human Genetics Tuebingen
Classification: Likely benign. Last evaluated: 2026-07-01. Review status: criteria provided, single submitter. Criteria: CeGaT Center For Human Genetics Tuebingen Variant Classification Criteria Version 2. Collection method: clinical testing. Allele origin: germline. Affected: yes. Observed: 1 variant allele.
Comment: CTU2: BP4